The following is an entry in ClinVar:

ClinVar aggregate classification (germline): Benign/Likely benign. Review status: criteria provided, multiple submitters, no conflicts (2 of 4 stars). 4 submissions from 4 submitters: Benign (1); Likely benign (3). Last evaluated 2024-06-08.

Conditions:
Hereditary cancer-predisposing syndrome. Also called: Hereditary Cancer Syndrome; Neoplastic Syndromes, Hereditary; Hereditary neoplastic syndrome; Tumor predisposition. Identifiers: Orphanet 140162, MedGen C0027672, MeSH D009386, MONDO:0015356.
Familial adenomatous polyposis 1 (FAP1). Also called: FAMILIAL ADENOMATOUS POLYPOSIS 1, ATTENUATED; POLYPOSIS, ADENOMATOUS INTESTINAL. Identifiers: MedGen C2713442, MONDO:0021056, OMIM 175100. Disease mechanism: loss of function.

Submissions (4):

Ambry Genetics
Classification: Likely benign for Hereditary cancer-predisposing syndrome. Last evaluated: 2024-06-08. Review status: criteria provided, single submitter. Criteria: Ambry Variant Classification Scheme 2023. Collection method: clinical testing. Allele origin: germline.

Myriad Genetics, Inc.
Classification: Benign for Familial adenomatous polyposis 1. Last evaluated: 2024-04-16. Review status: criteria provided, single submitter. Criteria: Myriad Autosomal Dominant, Autosomal Recessive and X-Linked Classification Criteria (2023). Collection method: clinical testing. Allele origin: unknown.
Comment: This variant is considered benign. This variant is a silent/synonymous amino acid change and it is not expected to impact splicing.

Labcorp Genetics (formerly Invitae), Labcorp
Classification: Likely benign for Familial adenomatous polyposis 1. Last evaluated: 2022-11-28. Review status: criteria provided, single submitter. Criteria: Invitae Variant Classification Sherloc (09022015). Collection method: clinical testing. Allele origin: germline.

Color Diagnostics, LLC DBA Color Health
Classification: Likely benign for Hereditary cancer-predisposing syndrome. Last evaluated: 2019-10-24. Review status: criteria provided, single submitter. Criteria: ACMG Guidelines, 2015. Collection method: clinical testing. Allele origin: germline.

NM_000038.6(APC):c.8493T>C (p.Pro2831=)

Gene: APC (APC regulator of Wnt signaling pathway; plus strand). Cytogenetic location: 5q22.2.
Variant type: single nucleotide variant.
Coding change: c.8493T>C on transcript NM_000038.6 (MANE Select); coding-DNA position 8493, T replaced by C.
Protein change: p.Pro2831=; no amino-acid change (proline 2831 retained).
Molecular consequence: synonymous variant.
Genome position (GRCh38, 1-based): chr5:112,844,087, T>C. VCF-style: chr5-112844087-T-C. GRCh37 (hg19) VCF-style: chr5-112179784-T-C.
Other names: c.8493T>C, p.Pro2831= (NM_001127510.3, NM_001354895.2); c.8439T>C, p.Pro2813= (NM_001127511.3); c.8547T>C, p.Pro2849= (NM_001354896.2); c.8523T>C, p.Pro2841= (NM_001354897.2); c.8418T>C, p.Pro2806= (NM_001354898.2); c.8409T>C, p.Pro2803= (NM_001354899.2); c.8370T>C, p.Pro2790= (NM_001354900.2); c.8316T>C, p.Pro2772= (NM_001354901.2); and 6 more.
Identifiers: ClinVar variation 1091885 (VCV001091885.12), dbSNP rs2150006377, ClinGen allele CA446211456.